The following is an entry in ClinVar:

NM_001429.4(EP300):c.1960A>G (p.Lys654Glu)

Gene: EP300 (EP300 lysine acetyltransferase; plus strand). Cytogenetic location: 22q13.2.
Variant type: single nucleotide variant.
Coding change: c.1960A>G on transcript NM_001429.4 (MANE Select); coding-DNA position 1960, A replaced by G.
Protein change: p.Lys654Glu; replaces lysine 654 with glutamic acid.
Molecular consequence: missense variant.
Genome position (GRCh38, 1-based): chr22:41,141,129, A>G. VCF-style: chr22-41141129-A-G. GRCh37 (hg19) VCF-style: chr22-41537133-A-G.
Other names: c.1960A>G, p.Lys654Glu (NM_001362843.2); short protein forms K654E.
Identifiers: ClinVar variation 5002006 (VCV005002006.1).

ClinVar aggregate classification (germline): Uncertain significance (1 of 4 stars; one submission).

Conditions:
EP300-related disorder. Also called: EP300-related condition; EP300-related disorders.

Submission:

PreventionGenetics, part of Exact Sciences
Classification: Uncertain significance for EP300-related condition. Last evaluated: 2024-11-10. Review status: criteria provided, single submitter. Criteria: ACMG Guidelines, 2015. Collection method: clinical testing. Allele origin: germline.
Comment: The EP300 c.1960A>G variant is predicted to result in the amino acid substitution p.Lys654Glu. To our knowledge, this variant has not been reported in the literature or in a large population database (gnomAD), indicating this variant is rare. At this time, the clinical significance of this variant is uncertain due to the absence of conclusive functional and genetic evidence.